The following is an entry in ClinVar:

ClinVar aggregate classification (germline): Likely benign (0 of 4 stars; one submission).

Conditions:
FCSK-related disorder. Also called: FCSK-related condition.

Allele frequency attached by ClinVar (database versions not stated): TOPMed 0.00009; gnomAD 0.00012; ESP Exome Variant Server 0.00016; ExAC 0.00026.
gnomAD v4.1: 339 of 1,590,164 alleles (0.021%); highest among the groups gnomAD compares: Non-Finnish European, 0.027%; no homozygotes.

Submission:

PreventionGenetics, part of Exact Sciences
Classification: Likely benign for FCSK-related condition. Last evaluated: 2019-07-12. Review status: no assertion criteria provided. Collection method: clinical testing. Allele origin: germline.
Comment: This variant is classified as likely benign based on ACMG/AMP sequence variant interpretation guidelines (Richards et al. 2015 PMID: 25741868, with internal and published modifications).

NM_145059.3(FCSK):c.1500G>T (p.Leu500=)

Gene: FCSK (fucose kinase; plus strand). Cytogenetic location: 16q22.1.
Variant type: single nucleotide variant.
Coding change: c.1500G>T on transcript NM_145059.3 (MANE Select); coding-DNA position 1500, G replaced by T.
Protein change: p.Leu500=; no amino-acid change (leucine 500 retained).
Molecular consequence: synonymous variant.
Genome position (GRCh38, 1-based): chr16:70,473,076, G>T. VCF-style: chr16-70473076-G-T. GRCh37 (hg19) VCF-style: chr16-70506979-G-T.
Identifiers: ClinVar variation 3049515 (VCV003049515.2), dbSNP rs371672013, ClinGen allele CA8143364.
Genomic context (GRCh38, chr16:70,473,076, plus strand): 5'-CGCAGAGTACTGCCTTCCCAGCGCCCGCCTCTTTCCTGTGCTCCACCCCTCGAGGGAGCT[G>T]GGACCCCAGGACCTGCTGTGGATGCTGGACCACCAGGAGGATGGGGGCGAGGCCCTGCGA-3'
Protein context (NP_659496.2, residues 490-510): LFPVLHPSRE[Leu500=]GPQDLLWMLD